The following is an entry in ClinVar:

NM_016373.4(WWOX):c.1244A>C (p.Ter415Ser)

Genes: MAF (MAF bZIP transcription factor; minus strand), WWOX (WW domain containing oxidoreductase; plus strand). Cytogenetic location: 16q23.2.
Variant type: single nucleotide variant.
Coding change: c.1244A>C on transcript NM_016373.4 (MANE Select); coding-DNA position 1244, A replaced by C.
Protein change: p.Ter415Ser.
Molecular consequence: stop lost.
Genome position (GRCh38, 1-based): chr16:79,211,795, A>C. VCF-style: chr16-79211795-A-C. GRCh37 (hg19) VCF-style: chr16-79245692-A-C.
Other names: c.905A>C, p.Ter302Ser (NM_001291997.2).
Identifiers: ClinVar variation 1494098 (VCV001494098.6), dbSNP rs2150868322, ClinGen allele CA396537372.

ClinVar aggregate classification (germline): Uncertain significance (1 of 4 stars; one submission).

Conditions:
Autosomal recessive spinocerebellar ataxia 12. Also called: SPINOCEREBELLAR ATAXIA WITH MENTAL RETARDATION AND EPILEPSY. Identifiers: Orphanet 284282, MedGen C3280452, MONDO:0013687, OMIM 614322.
Developmental and epileptic encephalopathy, 1 (DEE1). Also called: INFANTILE SPASM SYNDROME, X-LINKED 1; X-linked infantile spasms; West's syndrome; Tonic spasms with clustering, arrest of psychomotor development and hypsarrhythmia on EEG; X-Linked Infantile Spasm Syndrome; OHTAHARA SYNDROME, X-LINKED. Identifiers: MedGen C3463992, MONDO:0010632, OMIM 308350. Disease mechanism: loss of function.

gnomAD v4.1: 1 of 1,614,080 alleles (0.000062%); highest among the groups gnomAD compares: Non-Finnish European, 0.000085%; no homozygotes.

Submission:

Labcorp Genetics (formerly Invitae), Labcorp
Classification: Uncertain significance for Developmental and epileptic encephalopathy, 1; Autosomal recessive spinocerebellar ataxia 12. Last evaluated: 2020-12-16. Review status: criteria provided, single submitter. Criteria: Invitae Variant Classification Sherloc (09022015). Collection method: clinical testing. Allele origin: germline.
Comment: Experimental studies and prediction algorithms are not available or were not evaluated, and the functional significance of this variant is currently unknown. In summary, the available evidence is currently insufficient to determine the role of this variant in disease. Therefore, it has been classified as a Variant of Uncertain Significance. This variant has not been reported in the literature in individuals with WWOX-related conditions. This variant is not present in population databases (ExAC no frequency). This sequence change disrupts the translational stop signal of the WWOX mRNA. It is expected to extend the length of the WWOX protein by 47 additional amino acid residues.